The following is an entry in ClinVar:

ClinVar aggregate classification (germline): Uncertain significance (1 of 4 stars; one submission).

Submission:

Labcorp Genetics (formerly Invitae), Labcorp
Classification: Uncertain significance. Last evaluated: 2023-11-13. Review status: criteria provided, single submitter. Criteria: Invitae Variant Classification Sherloc (09022015). Collection method: clinical testing. Allele origin: germline.
Comment: This sequence change replaces isoleucine, which is neutral and non-polar, with phenylalanine, which is neutral and non-polar, at codon 935 of the MSH3 protein (p.Ile935Phe). This variant is not present in population databases (gnomAD no frequency). This variant has not been reported in the literature in individuals affected with MSH3-related conditions. An algorithm developed to predict the effect of missense changes on protein structure and function (PolyPhen-2) suggests that this variant is likely to be disruptive. In summary, the available evidence is currently insufficient to determine the role of this variant in disease. Therefore, it has been classified as a Variant of Uncertain Significance.

NM_002439.5(MSH3):c.2803A>T (p.Ile935Phe)

Gene: MSH3 (mutS homolog 3; plus strand). Cytogenetic location: 5q14.1.
Variant type: single nucleotide variant.
Coding change: c.2803A>T on transcript NM_002439.5 (MANE Select); coding-DNA position 2803, A replaced by T.
Protein change: p.Ile935Phe; replaces isoleucine 935 with phenylalanine.
Molecular consequence: missense variant.
Genome position (GRCh38, 1-based): chr5:80,813,731, A>T. VCF-style: chr5-80813731-A-T. GRCh37 (hg19) VCF-style: chr5-80109550-A-T.
Other names: short protein forms I935F.
Identifiers: ClinVar variation 2979892 (VCV002979892.3), dbSNP rs1490213002, ClinGen allele CA360274105.